The following is an entry in ClinVar:

NM_001109878.2(TBX22):c.240C>T (p.Tyr80=)

Gene: TBX22 (T-box transcription factor 22). Cytogenetic location: Xq21.1.
Variant type: single nucleotide variant.
Coding change: c.240C>T on transcript NM_001109878.2 (MANE Select); coding-DNA position 240, C replaced by T.
Protein change: p.Tyr80=; no amino-acid change (tyrosine 80 retained).
Molecular consequence: synonymous variant. On other transcripts: 5 prime UTR variant (2).
Genome position (GRCh38, 1-based): chrX:80,023,124, C>T. VCF-style: chrX-80023124-C-T. GRCh37 (hg19) VCF-style: chrX-79278623-C-T.
Other names: c.-117C>T (NM_001109879.2); c.-184C>T (NM_001303475.1); c.240C>T, p.Tyr80= (NM_016954.2).
Identifiers: ClinVar variation 914121 (VCV000914121.4), dbSNP rs145373371, ClinGen allele CA10461198.

ClinVar aggregate classification (germline): Likely benign (1 of 4 stars; one submission).

Conditions:
Cleft palate with or without ankyloglossia, X-linked. Identifiers: Orphanet 324601, MedGen C1844830, MONDO:0010560, OMIM 303400.

Allele frequency attached by ClinVar (database versions not stated): ESP Exome Variant Server 0.00009; TOPMed 0.00020; gnomAD 0.00021 and 0.00028; gnomAD exomes 0.00021 and 0.00054; ExAC 0.00059; 1000 Genomes Project 30x 0.00166; 1000 Genomes Project 0.00212.
gnomAD v4.1: 275 of 1,209,866 alleles (0.023%); highest among the groups gnomAD compares: South Asian, 0.25%; no homozygotes.

Submission:

Illumina Laboratory Services, Illumina
Classification: Likely benign for Cleft palate with or without ankyloglossia, X-linked. Last evaluated: 2018-01-13. Review status: criteria provided, single submitter. Criteria: ICSL Variant Classification Criteria 13 December 2019. Collection method: clinical testing. Allele origin: germline.
Comment: This variant was observed in the ICSL laboratory as part of a predisposition screen in an ostensibly healthy population. It had not been previously curated by ICSL or reported in the Human Gene Mutation Database (HGMD: prior to June 1st, 2018), and was therefore a candidate for classification through an automated scoring system. Utilizing variant allele frequency, disease prevalence and penetrance estimates, and inheritance mode, an automated score was calculated to assess if this variant is too frequent to cause the disease. Based on the score and internal cut-off values, a variant classified as likely benign is not then subjected to further curation. The score for this variant resulted in a classification of likely benign for this disease.